The following is an entry in ClinVar:

NM_000540.3(RYR1):c.11941C>T (p.His3981Tyr)

Gene: RYR1 (ryanodine receptor 1; plus strand). Cytogenetic location: 19q13.2.
Variant type: single nucleotide variant.
Coding change: c.11941C>T on transcript NM_000540.3 (MANE Select); coding-DNA position 11941, C replaced by T.
Protein change: p.His3981Tyr; replaces histidine 3981 with tyrosine.
Molecular consequence: missense variant.
Genome position (GRCh38, 1-based): chr19:38,543,804, C>T. VCF-style: chr19-38543804-C-T. GRCh37 (hg19) VCF-style: chr19-39034444-C-T.
Other names: H3981Y; c.11926C>T, p.His3976Tyr (NM_001042723.2); short protein forms H3976Y.
Identifiers: ClinVar variation 29878 (VCV000029878.53), dbSNP rs148772854, ClinGen allele CA023947.

ClinVar aggregate classification (germline): Benign/Likely benign. Review status: criteria provided, multiple submitters, no conflicts (2 of 4 stars). 14 submissions from 13 submitters: Benign (7); Likely benign (7). Last evaluated 2026-08-01.

Conditions:
RYR1-related disorder. Also called: RYR1-related condition; RYR1-related disorders. Identifiers: MedGen CN239331.
Malignant hyperthermia, susceptibility to, 1 (MHS1). Also called: RYR1-Related Malignant Hyperthermia Susceptibility; Malignant hyperthermia suceptibility 1; Anesthesia related hyperthermia; Malignant hyperpyrexia; Fulminating hyperpyrexia; Pharmacogenic myopathy. Identifiers: Orphanet 423, MedGen C2930980, MONDO:0007783, OMIM 145600.
Congenital multicore myopathy with external ophthalmoplegia (CMYO1B). Also called: MULTICORE MYOPATHY; Minicore myopathy with external ophthalmoplegia; Congenital myopathy 1B, autosomal recessive; Minicore myopathy; MULTIMINICORE DISEASE WITH EXTERNAL OPHTHALMOPLEGIA. Identifiers: Orphanet 598, Orphanet 98905, MedGen C1850674, MONDO:0009712, OMIM 255320, HP:0003789.

Allele frequency attached by ClinVar (database versions not stated): gnomAD exomes 0.00096 and 0.00035; ExAC 0.00125; ESP Exome Variant Server 0.00400; 1000 Genomes Project 0.00599; gnomAD 0.00392 and 0.00409; TOPMed 0.00433; 1000 Genomes Project 30x 0.00609.
gnomAD v4.1: 1,125 of 1,613,902 alleles (0.07%); highest among the groups gnomAD compares: African/African-American, 1.3%; 10 homozygotes.

Submissions (14):

CeGaT Center for Human Genetics Tuebingen
Classification: Likely benign. Last evaluated: 2026-08-01. Review status: criteria provided, single submitter. Criteria: CeGaT Center For Human Genetics Tuebingen Variant Classification Criteria Version 2. Collection method: clinical testing. Allele origin: germline. Affected: yes. Observed: 7 variant alleles.
Comment: RYR1: BS1

Labcorp Genetics (formerly Invitae), Labcorp
Classification: Benign for RYR1-related disorder. Last evaluated: 2026-02-01. Review status: criteria provided, single submitter. Criteria: Invitae Variant Classification Sherloc (09022015). Collection method: clinical testing. Allele origin: germline.

ARUP Laboratories, Molecular Genetics and Genomics, ARUP Laboratories
Classification: Benign. Last evaluated: 2025-06-27. Review status: criteria provided, single submitter. Criteria: ARUP Molecular Germline Variant Investigation Process 2024. Collection method: clinical testing. Allele origin: germline.

Blueprint Genetics
Classification: Likely benign. Last evaluated: 2024-11-25. Review status: criteria provided, single submitter. Criteria: ACMG Guidelines, 2015. Collection method: clinical testing. Allele origin: germline.

All of Us Research Program, National Institutes of Health
Classification: Benign for Malignant hyperthermia, susceptibility to, 1. Last evaluated: 2024-09-23. Review status: criteria provided, single submitter. Criteria: ACMG Guidelines, 2015. Collection method: clinical testing. Allele origin: germline. Inheritance: Autosomal dominant inheritance. Observed: 301 variant alleles, 300 heterozygotes, 1 homozygote.
Comment: This study involves interpretation of variants in research participants for the purpose of population health screening. Participant phenotype was not available at the time of variant classification. Additional details can be found in publication PMID: 35346344, PMCID: PMC8962531

Color Diagnostics, LLC DBA Color Health
Classification: Benign for Malignant hyperthermia, susceptibility to, 1. Last evaluated: 2022-08-18. Review status: criteria provided, single submitter. Criteria: ACMG Guidelines, 2015. Collection method: clinical testing. Allele origin: germline.

Illumina Laboratory Services, Illumina
Classification: Likely benign for Congenital multicore myopathy with external ophthalmoplegia. Last evaluated: 2019-01-18. Review status: criteria provided, single submitter. Criteria: ICSL Variant Classification Criteria 13 December 2019. Collection method: clinical testing. Allele origin: germline.
Comment: This variant was observed as part of a predisposition screen in an ostensibly healthy population. A literature search was performed for the gene, cDNA change, and amino acid change (where applicable). No publications were found based on this search. Allele frequency data from public databases allowed determination this variant is unlikely to cause disease. Therefore, this variant is classified as likely benign.

Illumina Laboratory Services, Illumina
Classification: Likely benign for Malignant hyperthermia, susceptibility to, 1. Last evaluated: 2019-01-18. Review status: criteria provided, single submitter. Criteria: ICSL Variant Classification Criteria 13 December 2019. Collection method: clinical testing. Allele origin: germline.
Comment: the same text as in the submission from Illumina Laboratory Services, Illumina above.

GeneDx
Classification: Benign. Last evaluated: 2018-09-10. Review status: criteria provided, single submitter. Criteria: GeneDx Variant Classification Process June 2021. Collection method: clinical testing. Allele origin: germline. Affected: yes.
Comment: This variant is associated with the following publications: (PMID: 23069638, 23919265, 25658027, 20839240, 23553787, 28326467, 30872186)

Center for Pediatric Genomic Medicine, Children's Mercy Hospital and Clinics
Classification: Likely benign. Last evaluated: 2017-09-18. Review status: criteria provided, single submitter. Criteria: ACMG Guidelines, 2015. Collection method: clinical testing. Allele origin: germline.

Genetic Services Laboratory, University of Chicago
Classification: Benign. Last evaluated: 2016-04-22. Review status: criteria provided, single submitter. Criteria: ACMG Guidelines, 2015. Collection method: clinical testing. Allele origin: germline. Affected: no.

Eurofins Ntd Llc (ga)
Classification: Benign. Last evaluated: 2013-05-07. Review status: criteria provided, single submitter. Criteria: EGL Classification Definitions 2015. Collection method: clinical testing. Allele origin: germline. Observed: 1 variant allele, 1 heterozygote.

Breakthrough Genomics
Classification: Likely benign. Review status: criteria provided, single submitter. Criteria: ACMG Guidelines, 2015. Collection method: not provided. Allele origin: germline. Inheritance: Autosomal recessive inheritance. Affected: yes.

PreventionGenetics, part of Exact Sciences
Classification: Likely benign. Review status: criteria provided, single submitter. Criteria: ACMG Guidelines, 2015. Collection method: clinical testing. Allele origin: germline.